The following is an entry in ClinVar:

NM_004168.4(SDHA):c.1073G>T (p.Gly358Val)

Gene: SDHA (succinate dehydrogenase complex flavoprotein subunit A; plus strand). Cytogenetic location: 5p15.33.
Variant type: single nucleotide variant.
Coding change: c.1073G>T on transcript NM_004168.4 (MANE Select); coding-DNA position 1073, G replaced by T.
Protein change: p.Gly358Val; replaces glycine 358 with valine.
Molecular consequence: missense variant.
Genome position (GRCh38, 1-based): chr5:235,152, G>T. VCF-style: chr5-235152-G-T. GRCh37 (hg19) VCF-style: chr5-235267-G-T.
Other names: c.929G>T, p.Gly310Val (NM_001294332.2); c.1073G>T, p.Gly358Val (NM_001330758.2); short protein forms G310V, G358V.
Identifiers: ClinVar variation 822124 (VCV000822124.6), dbSNP rs1579406184, ClinGen allele CA359013396.

ClinVar aggregate classification (germline): Uncertain significance. Review status: criteria provided, multiple submitters, no conflicts (2 of 4 stars). 2 submissions from 2 submitters: Uncertain significance (2). Last evaluated 2024-12-31.

Conditions:
Hereditary cancer-predisposing syndrome. Also called: Hereditary Cancer Syndrome; Neoplastic Syndromes, Hereditary; Tumor predisposition; Hereditary neoplastic syndrome. Identifiers: Orphanet 140162, MedGen C0027672, MeSH D009386, MONDO:0015356.

Submissions (2):

Dasa
Classification: Uncertain significance. Last evaluated: 2024-12-31. Review status: criteria provided, single submitter. Criteria: DASA Assertion Criteria. Collection method: clinical testing. Allele origin: germline.
Comment: NM_004168.4(SDHA):c.1073G>T (p.Gly358Val) is a missense variant that results in the substitution of glycine with valine. This variant is absent from population databases. The currently available literature and clinical evidence are not sufficient to establish a definitive association between this variant and the reported condition. Therefore, this variant is classified as a variant of uncertain significance.

Ambry Genetics
Classification: Uncertain significance for Hereditary cancer-predisposing syndrome. Last evaluated: 2019-07-13. Review status: criteria provided, single submitter. Criteria: Ambry Variant Classification Scheme 2023. Collection method: clinical testing. Allele origin: germline.
Comment: The p.G358V variant (also known as c.1073G>T), located in coding exon 9 of the SDHA gene, results from a G to T substitution at nucleotide position 1073. The glycine at codon 358 is replaced by valine, an amino acid with dissimilar properties. This amino acid position is highly conserved in available vertebrate species. In addition, this alteration is predicted to be deleterious by in silico analysis. Since supporting evidence is limited at this time, the clinical significance of this alteration remains unclear.